The following is an entry in ClinVar:

NM_000400.4(ERCC2):c.1541T>C (p.Ile514Thr)

Gene: ERCC2 (ERCC excision repair 2, TFIIH core complex helicase subunit; minus strand). Cytogenetic location: 19q13.32.
Variant type: single nucleotide variant.
Coding change: c.1541T>C on transcript NM_000400.4 (MANE Select); coding-DNA position 1541, T replaced by C.
Protein change: p.Ile514Thr; replaces isoleucine 514 with threonine.
Molecular consequence: missense variant.
Genome position (GRCh38, 1-based): chr19:45,355,667, A>G on the plus strand (T>C on the coding strand, the complement: ERCC2 is on the minus strand). VCF-style: chr19-45355667-A-G. GRCh37 (hg19) VCF-style: chr19-45858925-A-G.
Other names: short protein forms I514T.
Identifiers: ClinVar variation 1774861 (VCV001774861.3), dbSNP rs762741848, ClinGen allele CA9513237.

ClinVar aggregate classification (germline): Uncertain significance (1 of 4 stars; one submission).

Conditions:
Inborn genetic diseases. Identifiers: MedGen C0950123, MeSH D030342.

Allele frequency attached by ClinVar (database versions not stated): gnomAD 0.00001; gnomAD exomes 0.00001; ExAC 0.00004.

Submission:

Ambry Genetics
Classification: Uncertain significance for Inborn genetic diseases. Last evaluated: 2023-07-26. Review status: criteria provided, single submitter. Criteria: Ambry Variant Classification Scheme 2023. Collection method: clinical testing. Allele origin: germline.
Comment: The p.I514T variant (also known as c.1541T>C), located in coding exon 16 of the ERCC2 gene, results from a T to C substitution at nucleotide position 1541. The isoleucine at codon 514 is replaced by threonine, an amino acid with similar properties. This amino acid position is conserved. In addition, the in silico prediction for this alteration is inconclusive. Since supporting evidence is limited at this time, the clinical significance of this alteration remains unclear.